The following is an entry in ClinVar:

NM_004656.4(BAP1):c.1250+3C>T

Gene: BAP1 (BRCA1 associated deubiquitinase 1; minus strand). Cytogenetic location: 3p21.1.
Variant type: single nucleotide variant.
Coding change: c.1250+3C>T on transcript NM_004656.4 (MANE Select); 3 bases into the intron after coding-DNA position 1250, C replaced by T.
Molecular consequence: intron variant.
Genome position (GRCh38, 1-based): chr3:52,404,450, G>A on the plus strand (C>T on the coding strand, the complement: BAP1 is on the minus strand). VCF-style: chr3-52404450-G-A. GRCh37 (hg19) VCF-style: chr3-52438466-G-A.
Identifiers: ClinVar variation 1760514 (VCV001760514.6), dbSNP rs2153226821, ClinGen allele CA2577781982.

ClinVar aggregate classification (germline): Conflicting classifications of pathogenicity. Review status: criteria provided, conflicting classifications (1 of 4 stars). 3 submissions from 3 submitters: Uncertain significance (2); Likely benign (1). Last evaluated 2026-01-13.

Conditions:
Hereditary cancer-predisposing syndrome. Also called: Neoplastic Syndromes, Hereditary; Tumor predisposition; Hereditary Cancer Syndrome; Hereditary neoplastic syndrome. Identifiers: Orphanet 140162, MedGen C0027672, MeSH D009386, MONDO:0015356.
BAP1-related tumor predisposition syndrome (TPDS1). Also called: BAP1 tumor predisposition syndrome; Tumor susceptibility linked to germline BAP1 mutations; COMMON Syndrome; TUMOR PREDISPOSITION SYNDROME 1. Identifiers: Orphanet 289539, MedGen C3280492, MONDO:0013692, OMIM 614327.

Allele frequency attached by ClinVar (database versions not stated): gnomAD exomes below 0.00001.
gnomAD v4.1: 1 of 1,614,242 alleles (0.000062%); highest among the groups gnomAD compares: Non-Finnish European, 0.000085%; no homozygotes.

Submissions (3):

Labcorp Genetics (formerly Invitae), Labcorp
Classification: Uncertain significance for BAP1-related tumor predisposition syndrome. Last evaluated: 2026-01-13. Review status: criteria provided, single submitter. Criteria: Invitae Variant Classification Sherloc (09022015). Collection method: clinical testing. Allele origin: germline.
Comment: This sequence change falls in intron 12 of the BAP1 gene. It does not directly change the encoded amino acid sequence of the BAP1 protein. It affects a nucleotide within the consensus splice site. This variant is not present in population databases (gnomAD no frequency). This variant has not been reported in the literature in individuals affected with BAP1-related conditions. ClinVar contains an entry for this variant (Variation ID: 1760514). Variants that disrupt the consensus splice site are a relatively common cause of aberrant splicing (PMID: 17576681, 9536098). Algorithms developed to predict the effect of sequence changes on RNA splicing suggest that this variant is not likely to affect RNA splicing. In summary, the available evidence is currently insufficient to determine the role of this variant in disease. Therefore, it has been classified as a Variant of Uncertain Significance.

Color Diagnostics, LLC DBA Color Health
Classification: Uncertain significance for Hereditary cancer-predisposing syndrome. Last evaluated: 2025-10-27. Review status: criteria provided, single submitter. Criteria: ACMG Guidelines, 2015. Collection method: clinical testing. Allele origin: germline.
Comment: This variant causes a C to T nucleotide substitution at the +3 position of intron 12 of the BAP1 gene. To our knowledge, functional studies have not been reported for this variant. This variant has not been reported in individuals affected with BAP1-related disorders in the literature. This variant has been identified in 1/1461878 chromosomes in the general population by the Genome Aggregation Database (gnomAD). The available evidence is insufficient to determine the role of this variant in disease conclusively. Therefore, this variant is classified as a Variant of Uncertain Significance.

Ambry Genetics
Classification: Likely benign for Hereditary cancer-predisposing syndrome. Last evaluated: 2024-04-08. Review status: criteria provided, single submitter. Criteria: Ambry Variant Classification Scheme 2023. Collection method: clinical testing. Allele origin: germline.

Literature cited by the submitters: PubMed 17576681 (cited by Labcorp Genetics (formerly Invitae), Labcorp); PubMed 9536098 (cited by Labcorp Genetics (formerly Invitae), Labcorp).